The following is an entry in ClinVar:

NM_001350451.2(RBFOX3):c.978G>A (p.Ala326=)

Gene: RBFOX3 (RNA binding fox-1 homolog 3; minus strand). Cytogenetic location: 17q25.3.
Variant type: single nucleotide variant.
Coding change: c.978G>A on transcript NM_001350451.2 (MANE Select); coding-DNA position 978, G replaced by A.
Protein change: p.Ala326=; no amino-acid change (alanine 326 retained).
Molecular consequence: synonymous variant.
Genome position (GRCh38, 1-based): chr17:79,095,533, C>T on the plus strand (G>A on the coding strand, the complement: RBFOX3 is on the minus strand). VCF-style: chr17-79095533-C-T. GRCh37 (hg19) VCF-style: chr17-77091615-C-T.
Other names: c.837G>A, p.Ala279= (NM_001082575.3, NM_001350453.2, NM_001385825.1 and 16 more transcripts); c.978G>A, p.Ala326= (NM_001385804.1, NM_001385805.1, NM_001385807.1 and 14 more transcripts); c.975G>A, p.Ala325= (NM_001385806.1, NM_001385822.1, NM_001385823.1); c.885G>A, p.Ala295= (NM_001385824.1); c.858G>A, p.Ala286= (NM_001385827.1); c.834G>A, p.Ala278= (NM_001385843.1, NM_001385844.1, NM_001385845.1 and 1 more transcripts); c.690G>A, p.Ala230= (NM_001385847.1).
Identifiers: ClinVar variation 529545 (VCV000529545.12), dbSNP rs780865169, ClinGen allele CA294777742.

ClinVar aggregate classification (germline): Likely benign. Review status: criteria provided, single submitter (1 of 4 stars). 2 submissions from 2 submitters: Likely benign (1). 1 of the submissions does not count toward it. Last evaluated 2024-11-11.

Conditions:
RBFOX3-related disorder. Also called: RBFOX3-related condition.
Idiopathic generalized epilepsy. Also called: Generalised epilepsy; EIG. Identifiers: MedGen C0270850, MONDO:0005579, OMIM 600669.

Allele frequency attached by ClinVar (database versions not stated): TOPMed 0.00005.
gnomAD v4.1: 95 of 1,551,258 alleles (0.0061%); highest among the groups gnomAD compares: Non-Finnish European, 0.008%; no homozygotes.

Submissions (2):

Labcorp Genetics (formerly Invitae), Labcorp
Classification: Likely benign for Idiopathic generalized epilepsy. Last evaluated: 2024-11-11. Review status: criteria provided, single submitter. Criteria: Invitae Variant Classification Sherloc (09022015). Collection method: clinical testing. Allele origin: germline.

PreventionGenetics, part of Exact Sciences
Classification: Likely benign for RBFOX3-related condition. Last evaluated: 2019-09-20. Review status: no assertion criteria provided. Collection method: clinical testing. Allele origin: germline. Not counted in ClinVar's aggregate classification.
Comment: This variant is classified as likely benign based on ACMG/AMP sequence variant interpretation guidelines (Richards et al. 2015 PMID: 25741868, with internal and published modifications).